The following is an entry in ClinVar:

ClinVar aggregate classification (germline): Pathogenic. Review status: criteria provided, multiple submitters, no conflicts (2 of 4 stars). 4 submissions from 4 submitters: Pathogenic (3). 1 of the submissions does not count toward it. Last evaluated 2025-09-09.

Conditions:
PRPH2-related disorder. Also called: PRPH2-related condition; PRPH2-related disorders. Identifiers: MedGen CN239395.

Submissions (4):

Labcorp Genetics (formerly Invitae), Labcorp
Classification: Pathogenic for PRPH2-related disorder. Last evaluated: 2025-09-09. Review status: criteria provided, single submitter. Criteria: Invitae Variant Classification Sherloc (09022015). Collection method: clinical testing. Allele origin: germline.
Comment: This sequence change replaces cysteine, which is neutral and slightly polar, with arginine, which is basic and polar, at codon 165 of the PRPH2 protein (p.Cys165Arg). This variant is not present in population databases (gnomAD no frequency). This missense change has been observed in individuals with autosomal dominant retinitis pigmentosa (PMID: 17851265, 25366773; internal data). ClinVar contains an entry for this variant (Variation ID: 1175283). Invitae Evidence Modeling of protein sequence and biophysical properties (such as structural, functional, and spatial information, amino acid conservation, physicochemical variation, residue mobility, and thermodynamic stability) indicates that this missense variant is expected to disrupt PRPH2 protein function with a positive predictive value of 95%. This variant disrupts the p.Cys165 amino acid residue in PRPH2. Other variant(s) that disrupt this residue have been determined to be pathogenic (PMID: 9673478, 25447119). This suggests that this residue is clinically significant, and that variants that disrupt this residue are likely to be disease-causing. For these reasons, this variant has been classified as Pathogenic.

Dasa
Classification: Pathogenic. Last evaluated: 2024-05-22. Review status: criteria provided, single submitter. Criteria: DASA Assertion Criteria. Collection method: clinical testing. Allele origin: germline.
Comment: NM_000322.5(PRPH2):c.493T>C (p.Cys165Arg) is a missense variant that results in the substitution of cysteine with arginine. This variant has been recurrently observed in individuals with related phenotype (PMID: 17851265; PMID: 25366773). Segregation evidence has been reported in affected families. Multiple computational predictions support a deleterious effect on the gene or gene product. Based on the available data, this variant is classified as pathogenic.

Blueprint Genetics
Classification: Pathogenic for PRPH2-related disorders. Last evaluated: 2022-09-12. Review status: criteria provided, single submitter. Criteria: ACMG Guidelines, 2015. Collection method: clinical testing. Allele origin: germline. Affected: yes. Observed: 2 variant alleles.

Leiden Open Variation Database
Classification: Likely pathogenic. Last evaluated: 2021-05-21. Review status: no assertion criteria provided. Collection method: curation. Allele origin: germline. Affected: yes. Not counted in ClinVar's aggregate classification.
Comment: Curator: Global Variome, with Curator vacancy. Submitters to LOVD: LOVD, Manon Peeters.

Literature cited by the submitters: PubMed 17851265 (cited by 3 submitters); PubMed 25366773 (cited by 3 submitters); PubMed 9673478 (cited by Labcorp Genetics (formerly Invitae), Labcorp); PubMed 25447119 (cited by Labcorp Genetics (formerly Invitae), Labcorp).

NM_000322.5(PRPH2):c.493T>C (p.Cys165Arg)

Gene: PRPH2 (peripherin 2; minus strand). Cytogenetic location: 6p21.1.
Variant type: single nucleotide variant.
Coding change: c.493T>C on transcript NM_000322.5 (MANE Select); coding-DNA position 493, T replaced by C.
Protein change: p.Cys165Arg; replaces cysteine 165 with arginine.
Molecular consequence: missense variant.
Genome position (GRCh38, 1-based): chr6:42,721,842, A>G on the plus strand (T>C on the coding strand, the complement: PRPH2 is on the minus strand). VCF-style: chr6-42721842-A-G. GRCh37 (hg19) VCF-style: chr6-42689580-A-G.
Other names: short protein forms C165R.
Identifiers: ClinVar variation 1175283 (VCV001175283.9), dbSNP rs2152010916, ClinGen allele CA364137433.